The following is an entry in ClinVar:

ClinVar aggregate classification (germline): Pathogenic. Review status: criteria provided, multiple submitters, no conflicts (2 of 4 stars). 2 submissions from 2 submitters: Pathogenic (2). Last evaluated 2024-07-06.

Conditions:
Inborn genetic diseases. Identifiers: MedGen C0950123, MeSH D030342.

Allele frequency attached by ClinVar (database versions not stated): gnomAD exomes below 0.00001.
gnomAD v4.1: 4 of 1,614,072 alleles (0.00025%); highest among the groups gnomAD compares: Admixed American, 0.0017%; no homozygotes.

Submissions (2):

Labcorp Genetics (formerly Invitae), Labcorp
Classification: Pathogenic. Last evaluated: 2024-07-06. Review status: criteria provided, single submitter. Criteria: Invitae Variant Classification Sherloc (09022015). Collection method: clinical testing. Allele origin: germline.
Comment: This sequence change creates a premature translational stop signal (p.Arg2631*) in the SZT2 gene. It is expected to result in an absent or disrupted protein product. Loss-of-function variants in SZT2 are known to be pathogenic (PMID: 23932106, 27248490, 28556953). This variant is present in population databases (no rsID available, gnomAD 0.003%). This variant has not been reported in the literature in individuals affected with SZT2-related conditions. ClinVar contains an entry for this variant (Variation ID: 985794). Algorithms developed to predict the effect of sequence changes on RNA splicing suggest that this variant may disrupt the consensus splice site. For these reasons, this variant has been classified as Pathogenic.

Ambry Genetics
Classification: Pathogenic for Inborn genetic diseases. Last evaluated: 2017-12-20. Review status: criteria provided, single submitter. Criteria: Ambry exome assertion method (8-5-2015). Collection method: clinical testing. Allele origin: germline. Affected: yes. Observed: 1 variant allele.

Literature cited by the submitters: PubMed 23932106 (cited by Labcorp Genetics (formerly Invitae), Labcorp); PubMed 27248490 (cited by Labcorp Genetics (formerly Invitae), Labcorp); PubMed 28556953 (cited by Labcorp Genetics (formerly Invitae), Labcorp).

NM_001365999.1(SZT2):c.8062C>T (p.Arg2688Ter)

Gene: SZT2 (SZT2 subunit of KICSTOR complex; plus strand). Cytogenetic location: 1p34.2.
Variant type: single nucleotide variant.
Coding change: c.8062C>T on transcript NM_001365999.1 (MANE Select); coding-DNA position 8062, C replaced by T.
Protein change: p.Arg2688Ter; replaces arginine 2688 with a stop codon.
Molecular consequence: nonsense.
Genome position (GRCh38, 1-based): chr1:43,442,529, C>T. VCF-style: chr1-43442529-C-T. GRCh37 (hg19) VCF-style: chr1-43908200-C-T.
Other names: c.7891C>T, p.Arg2631Ter (NM_015284.4); short protein forms R2631*, R2688*.
Identifiers: ClinVar variation 985794 (VCV000985794.5), dbSNP rs1394131270, ClinGen allele CA340037434.